The following is an entry in ClinVar:

ClinVar aggregate classification (germline): Uncertain significance (1 of 4 stars; one submission).

Conditions:
Amyotrophic lateral sclerosis type 1 (ALS1). Also called: AMYOTROPHIC LATERAL SCLEROSIS 1, FAMILIAL. Identifiers: Orphanet 803, MedGen C1862939, MONDO:0007103, OMIM 105400.
Neuronopathy, distal hereditary motor, type 7B. Also called: NEURONOPATHY, DISTAL HEREDITARY MOTOR, AUTOSOMAL DOMINANT 14; NEURONOPATHY, DISTAL HEREDITARY MOTOR, HARDING TYPE VIIB; NEUROPATHY, DISTAL HEREDITARY MOTOR, HARDING TYPE VIIB; NEUROPATHY, DISTAL HEREDITARY MOTOR, WITH VOCAL CORD PARALYSIS, HARDING TYPE VIIB; Distal Hereditary Motor Neuronopathy Type 7B (dHMN7B); HMN VIIB. Identifiers: Orphanet 139589, MedGen C1843315, MONDO:0011879, OMIM 607641.
Perry syndrome. Also called: PARKINSONISM WITH ALVEOLAR HYPOVENTILATION AND MENTAL DEPRESSION. Identifiers: Orphanet 178509, MedGen C1868594, MONDO:0008201, OMIM 168605.

Allele frequency attached by ClinVar (database versions not stated): gnomAD exomes below 0.00001; TOPMed 0.00002.
gnomAD v4.1: 2 of 1,609,748 alleles (0.00012%); highest among the groups gnomAD compares: Admixed American, 0.0034%; no homozygotes.

Submission:

Labcorp Genetics (formerly Invitae), Labcorp
Classification: Uncertain significance for Amyotrophic lateral sclerosis type 1; Neuronopathy, distal hereditary motor, type 7B; Perry syndrome. Last evaluated: 2023-12-14. Review status: criteria provided, single submitter. Criteria: Invitae Variant Classification Sherloc (09022015). Collection method: clinical testing. Allele origin: germline.
Comment: This sequence change replaces glutamic acid, which is acidic and polar, with lysine, which is basic and polar, at codon 638 of the DCTN1 protein (p.Glu638Lys). The frequency data for this variant in the population databases is considered unreliable, as metrics indicate poor data quality at this position in the gnomAD database. This variant has not been reported in the literature in individuals affected with DCTN1-related conditions. Advanced modeling of protein sequence and biophysical properties (such as structural, functional, and spatial information, amino acid conservation, physicochemical variation, residue mobility, and thermodynamic stability) performed at Invitae indicates that this missense variant is not expected to disrupt DCTN1 protein function with a negative predictive value of 80%. In summary, the available evidence is currently insufficient to determine the role of this variant in disease. Therefore, it has been classified as a Variant of Uncertain Significance.

NM_004082.5(DCTN1):c.1912G>A (p.Glu638Lys)

Gene: DCTN1 (dynactin subunit 1; minus strand). Cytogenetic location: 2p13.1.
Variant type: single nucleotide variant.
Coding change: c.1912G>A on transcript NM_004082.5 (MANE Select); coding-DNA position 1912, G replaced by A.
Protein change: p.Glu638Lys; replaces glutamic acid 638 with lysine.
Molecular consequence: missense variant. On other transcripts: non-coding transcript variant (1).
Genome position (GRCh38, 1-based): chr2:74,368,074, C>T on the plus strand (G>A on the coding strand, the complement: DCTN1 is on the minus strand). VCF-style: chr2-74368074-C-T. GRCh37 (hg19) VCF-style: chr2-74595201-C-T.
Other names: c.1852G>A, p.Glu618Lys (NM_001135040.3); c.1510G>A, p.Glu504Lys (NM_001135041.3, NM_023019.4); c.1801G>A, p.Glu601Lys (NM_001190836.2); c.1891G>A, p.Glu631Lys (NM_001190837.2); c.1861G>A, p.Glu621Lys (NM_001378991.1); c.1843G>A, p.Glu615Lys (NM_001378992.1); short protein forms E615K, E504K, E601K, E631K, E618K, E621K, E638K.
Identifiers: ClinVar variation 2928530 (VCV002928530.3), dbSNP rs1490511640, ClinGen allele CA347352392.